The following is an entry in ClinVar:

ClinVar aggregate classification (germline): Uncertain significance. Review status: criteria provided, multiple submitters, no conflicts (2 of 4 stars). 2 submissions from 2 submitters: Uncertain significance (2). Last evaluated 2025-09-29.

Conditions:
Hereditary cancer-predisposing syndrome. Also called: Neoplastic Syndromes, Hereditary; Hereditary Cancer Syndrome; Hereditary neoplastic syndrome; Tumor predisposition. Identifiers: Orphanet 140162, MedGen C0027672, MeSH D009386, MONDO:0015356.
Neuroblastoma, susceptibility to, 3. Also called: ALK-Related Neuroblastic Tumor Susceptibility. Identifiers: Orphanet 635, MedGen C2751681, MONDO:0013083, OMIM 613014.

Submissions (2):

Ambry Genetics
Classification: Uncertain significance for Hereditary cancer-predisposing syndrome. Last evaluated: 2025-09-29. Review status: criteria provided, single submitter. Criteria: Ambry Variant Classification Scheme 2023. Collection method: clinical testing. Allele origin: germline.
Comment: The p.E1210V variant (also known as c.3629A>T), located in coding exon 23 of the ALK gene, results from an A to T substitution at nucleotide position 3629. The glutamic acid at codon 1210 is replaced by valine, an amino acid with dissimilar properties. This amino acid position is conserved. In addition, the in silico prediction for this alteration is inconclusive. Based on the available evidence, the clinical significance of this variant remains unclear.

Labcorp Genetics (formerly Invitae), Labcorp
Classification: Uncertain significance for Neuroblastoma, susceptibility to, 3. Last evaluated: 2022-12-02. Review status: criteria provided, single submitter. Criteria: Invitae Variant Classification Sherloc (09022015). Collection method: clinical testing. Allele origin: germline.
Comment: This variant is not present in population databases (gnomAD no frequency). In summary, the available evidence is currently insufficient to determine the role of this variant in disease. Therefore, it has been classified as a Variant of Uncertain Significance. Algorithms developed to predict the effect of missense changes on protein structure and function are either unavailable or do not agree on the potential impact of this missense change (SIFT: "Deleterious"; PolyPhen-2: "Benign"; Align-GVGD: "Class C0"). This variant has not been reported in the literature in individuals affected with ALK-related conditions. This sequence change replaces glutamic acid, which is acidic and polar, with valine, which is neutral and non-polar, at codon 1210 of the ALK protein (p.Glu1210Val).

NM_004304.5(ALK):c.3629A>T (p.Glu1210Val)

Gene: ALK (ALK receptor tyrosine kinase; minus strand). Cytogenetic location: 2p23.2.
Variant type: single nucleotide variant.
Coding change: c.3629A>T on transcript NM_004304.5 (MANE Select); coding-DNA position 3629, A replaced by T.
Protein change: p.Glu1210Val; replaces glutamic acid 1210 with valine.
Molecular consequence: missense variant.
Genome position (GRCh38, 1-based): chr2:29,220,722, T>A on the plus strand (A>T on the coding strand, the complement: ALK is on the minus strand). VCF-style: chr2-29220722-T-A. GRCh37 (hg19) VCF-style: chr2-29443588-T-A.
Other names: c.3629A>T (NM_004304.4); c.425A>T, p.Glu142Val (NM_001353765.2); short protein forms E1210V, E142V.
Identifiers: ClinVar variation 2818049 (VCV002818049.4), dbSNP rs2148166332, ClinGen allele CA346472976.
Genomic context (GRCh38, chr2:29,220,722, plus strand): 5'-TGTCCTTGGCACAACAACTGCAGCAAAGACTGGTTCTCACTCACCGGGCGAGGGCGGGTC[T>A]CTCGGAGGAAGGACTTGAGGTCTCCCCCCGCCATGAGCTCCAGCAGGATGAACCGGGGCA-3'
Protein context (NP_004295.2, residues 1200-1220): AGGDLKSFLR[Glu1210Val]TRPRPSQPSS